The following is an entry in ClinVar:

NM_015512.5(DNAH1):c.7064C>T (p.Pro2355Leu)

Gene: DNAH1 (dynein axonemal heavy chain 1; plus strand). Cytogenetic location: 3p21.1.
Variant type: single nucleotide variant.
Coding change: c.7064C>T on transcript NM_015512.5 (MANE Select); coding-DNA position 7064, C replaced by T.
Protein change: p.Pro2355Leu; replaces proline 2355 with leucine.
Molecular consequence: missense variant.
Genome position (GRCh38, 1-based): chr3:52,375,318, C>T. VCF-style: chr3-52375318-C-T. GRCh37 (hg19) VCF-style: chr3-52409334-C-T.
Other names: short protein forms P2355L.
Identifiers: ClinVar variation 1064087 (VCV001064087.3), dbSNP rs561335239, ClinGen allele CA2434743.

ClinVar aggregate classification (germline): Uncertain significance (1 of 4 stars; one submission).

Conditions:
Spermatogenic failure 18. Identifiers: MedGen C4539783, MONDO:0054615, OMIM 617576.
Ciliary dyskinesia, primary, 37 (CILD37). Also called: CILIARY DYSKINESIA, PRIMARY, 37, WITH OR WITHOUT SITUS INVERSUS. Identifiers: MedGen C4539798, MONDO:0033204, OMIM 617577.

Allele frequency attached by ClinVar (database versions not stated): gnomAD exomes 0.00001 and 0.00003; ExAC 0.00004; 1000 Genomes Project 0.00040; TOPMed 0.00012; gnomAD 0.00007; 1000 Genomes Project 30x 0.00062.
gnomAD v4.1: 28 of 1,612,996 alleles (0.0017%); highest among the groups gnomAD compares: Admixed American, 0.02%; 1 homozygote.

Submission:

Labcorp Genetics (formerly Invitae), Labcorp
Classification: Uncertain significance for Ciliary dyskinesia, primary, 37; Spermatogenic failure 18. Last evaluated: 2025-07-02. Review status: criteria provided, single submitter. Criteria: Invitae Variant Classification Sherloc (09022015). Collection method: clinical testing. Allele origin: germline.
Comment: This sequence change replaces proline, which is neutral and non-polar, with leucine, which is neutral and non-polar, at codon 2355 of the DNAH1 protein (p.Pro2355Leu). This variant is present in population databases (rs561335239, gnomAD 0.009%). This variant has not been reported in the literature in individuals affected with DNAH1-related conditions. ClinVar contains an entry for this variant (Variation ID: 1064087). Invitae Evidence Modeling of protein sequence and biophysical properties (such as structural, functional, and spatial information, amino acid conservation, physicochemical variation, residue mobility, and thermodynamic stability) indicates that this missense variant is not expected to disrupt DNAH1 protein function with a negative predictive value of 80%. In summary, the available evidence is currently insufficient to determine the role of this variant in disease. Therefore, it has been classified as a Variant of Uncertain Significance.